The following is an entry in ClinVar:

NM_000535.7(PMS2):c.1557T>C (p.Tyr519=)

Gene: PMS2 (PMS1 homolog 2, mismatch repair system component; minus strand). Cytogenetic location: 7p22.1.
Variant type: single nucleotide variant.
Coding change: c.1557T>C on transcript NM_000535.7 (MANE Select); coding-DNA position 1557, T replaced by C.
Protein change: p.Tyr519=; no amino-acid change (tyrosine 519 retained).
Molecular consequence: synonymous variant. On other transcripts: non-coding transcript variant (1).
Genome position (GRCh38, 1-based): chr7:5,987,208, A>G on the plus strand (T>C on the coding strand, the complement: PMS2 is on the minus strand). VCF-style: chr7-5987208-A-G. GRCh37 (hg19) VCF-style: chr7-6026839-A-G.
Other names: p.Tyr519=; c.1152T>C, p.Tyr384= (NM_001322003.2, NM_001322004.2, NM_001322005.2 and 1 more transcripts); c.1401T>C, p.Tyr467= (NM_001322006.2); c.1239T>C, p.Tyr413= (NM_001322007.2, NM_001322008.2); c.996T>C, p.Tyr332= (NM_001322010.2); c.624T>C, p.Tyr208= (NM_001322011.2, NM_001322012.2); c.984T>C, p.Tyr328= (NM_001322013.2); c.1557T>C, p.Tyr519= (NM_001322014.2); and 1 more.
Identifiers: ClinVar variation 141664 (VCV000141664.44), dbSNP rs6972869, ClinGen allele CA009853.

ClinVar aggregate classification (germline): Benign/Likely benign. Review status: criteria provided, multiple submitters, no conflicts (2 of 4 stars). 19 submissions from 19 submitters: Benign (12); Likely benign (2). 5 of the submissions do not count toward it. Last evaluated 2026-02-04.

Conditions:
Hereditary nonpolyposis colorectal neoplasms. Identifiers: MedGen C0009405, MeSH D003123.
Hereditary cancer-predisposing syndrome. Also called: Neoplastic Syndromes, Hereditary; Tumor predisposition; Hereditary Cancer Syndrome; Hereditary neoplastic syndrome. Identifiers: Orphanet 140162, MedGen C0027672, MeSH D009386, MONDO:0015356.
Lynch syndrome 4 (LYNCH4). Also called: Colorectal cancer, hereditary nonpolyposis, type 4; Hereditary non-polyposis colorectal cancer, type 4. Identifiers: Orphanet 144, MedGen C1838333, MONDO:0013699, OMIM 614337. Disease mechanism: loss of function.
Malignant tumor of breast. Also called: Malignant breast neoplasm; Cancer breast. Identifiers: MedGen C0006142, MONDO:0007254. Disease mechanism: loss of function.

Allele frequency attached by ClinVar (database versions not stated): gnomAD exomes 0.00088 and 0.00237; ExAC 0.00306; 1000 Genomes Project 0.00978; gnomAD 0.00992 and 0.01065; ESP Exome Variant Server 0.01023; 1000 Genomes Project 30x 0.01046; TOPMed 0.01063.

Submissions (19):

Labcorp Genetics (formerly Invitae), Labcorp
Classification: Benign for Hereditary nonpolyposis colorectal neoplasms. Last evaluated: 2026-02-04. Review status: criteria provided, single submitter. Criteria: Invitae Variant Classification Sherloc (09022015). Collection method: clinical testing. Allele origin: germline.

Mayo Clinic Laboratories, Mayo Clinic
Classification: Benign. Last evaluated: 2025-06-11. Review status: criteria provided, single submitter. Criteria: ACMG Guidelines, 2015. Collection method: clinical testing. Allele origin: germline. Observed: 7 variant alleles.
Comment: BA1, BP4, BP7

ARUP Laboratories, Molecular Genetics and Genomics, ARUP Laboratories
Classification: Benign. Last evaluated: 2025-05-01. Review status: criteria provided, single submitter. Criteria: ARUP Molecular Germline Variant Investigation Process 2024. Collection method: clinical testing. Allele origin: germline.

Center for Genomic Medicine, Rigshospitalet, Copenhagen University Hospital
Classification: Benign. Last evaluated: 2025-03-04. Review status: criteria provided, single submitter. Criteria: ACMG Guidelines, 2015. Collection method: clinical testing. Allele origin: germline.

Myriad Genetics, Inc.
Classification: Benign for Lynch syndrome 4. Last evaluated: 2025-01-30. Review status: criteria provided, single submitter. Criteria: Myriad Autosomal Dominant, Autosomal Recessive and X-Linked Classification Criteria (2023). Collection method: clinical testing. Allele origin: unknown.
Comment: This variant is considered benign. This variant is a silent/synonymous amino acid change and it is not expected to impact splicing.

Institute for Biomarker Research, Medical Diagnostic Laboratories, L.L.C.
Classification: Benign for Hereditary cancer-predisposing syndrome. Last evaluated: 2024-07-16. Review status: criteria provided, single submitter. Criteria: ACMG Guidelines, 2015. Collection method: clinical testing. Allele origin: germline.

KCCC/NGS Laboratory, Kuwait Cancer Control Center
Classification: Benign for Lynch syndrome 4. Last evaluated: 2023-07-07. Review status: criteria provided, single submitter. Criteria: ACMG Guidelines, 2015. Collection method: clinical testing. Allele origin: germline. Affected: yes.

Illumina Laboratory Services, Illumina
Classification: Likely benign for Lynch syndrome 4. Last evaluated: 2018-01-12. Review status: criteria provided, single submitter. Criteria: ICSL Variant Classification Criteria 13 December 2019. Collection method: clinical testing. Allele origin: germline.
Comment: This variant was observed in the ICSL laboratory as part of a predisposition screen in an ostensibly healthy population. It had not been previously curated by ICSL or reported in the Human Gene Mutation Database (HGMD: prior to June 1st, 2018), and was therefore a candidate for classification through an automated scoring system. Utilizing variant allele frequency, disease prevalence and penetrance estimates, and inheritance mode, an automated score was calculated to assess if this variant is too frequent to cause the disease. Based on the score and internal cut-off values, a variant classified as likely benign is not then subjected to further curation. The score for this variant resulted in a classification of likely benign for this disease.

PreventionGenetics, part of Exact Sciences
Classification: Benign. Last evaluated: 2017-02-02. Review status: criteria provided, single submitter. Criteria: ACMG Guidelines, 2015. Collection method: clinical testing. Allele origin: germline.

Color Diagnostics, LLC DBA Color Health
Classification: Benign for Hereditary cancer-predisposing syndrome. Last evaluated: 2015-04-22. Review status: criteria provided, single submitter. Criteria: ACMG Guidelines, 2015. Collection method: clinical testing. Allele origin: germline.

GeneDx
Classification: Benign. Last evaluated: 2015-03-03. Review status: criteria provided, single submitter. Criteria: GeneDx Variant Classification Process June 2021. Collection method: clinical testing. Allele origin: germline. Affected: yes.

Ambry Genetics
Classification: Benign for Hereditary cancer-predisposing syndrome. Last evaluated: 2014-11-18. Review status: criteria provided, single submitter. Criteria: Ambry Variant Classification Scheme 2023. Collection method: clinical testing. Allele origin: germline.

Eurofins Ntd Llc (ga)
Classification: Benign. Last evaluated: 2014-08-06. Review status: criteria provided, single submitter. Criteria: EGL Classification Definitions 2015. Collection method: clinical testing. Allele origin: germline. Observed: 3 variant alleles, 3 heterozygotes.

Breakthrough Genomics
Classification: Likely benign. Review status: criteria provided, single submitter. Criteria: ACMG Guidelines, 2015. Collection method: not provided. Allele origin: germline. Inheritance: Autosomal recessive inheritance. Affected: yes.

True Health Diagnostics
Classification: Likely benign for Hereditary cancer-predisposing syndrome. Last evaluated: 2017-10-26. Review status: no assertion criteria provided. Collection method: clinical testing. Allele origin: germline. Not counted in ClinVar's aggregate classification.

Clinical Genetics, Academic Medical Center
Classification: Benign. Review status: no assertion criteria provided. Collection method: clinical testing. Allele origin: germline. Affected: yes. Study: VKGL Data-share Consensus. Not counted in ClinVar's aggregate classification.

Department of Pathology and Laboratory Medicine, Sinai Health System
Classification: Benign for Malignant tumor of breast. Review status: no assertion criteria provided. Collection method: clinical testing. Allele origin: unknown. Affected: yes. Observed: 1 variant allele. Study: The Canadian Open Genetics Repository (COGR). Not counted in ClinVar's aggregate classification.
Comment: The PMS2 p.Tyr519= variant was identified in 1 of 792 proband chromosomes (frequency: 0.001) from Dutch individuals or families with MMR-deficient cancer, or positive family history/young age of onset for CRC, endometrial or other Lynch associated cancer (van der Klift_2016_27435373). In this study, the variant showed no mRNA aberratiom or allelic imbalance using cultured lymphocytes. The variant was also identified in dbSNP (ID: rs6972869) â€šÃ„ÃºWith other alleleâ€šÃ„Ã¹, ClinVar (classified benign by Ambry Genetics, EGL Genetic Diagnostics (Eurofins Clinical Diagnostics) and Invitae, and likely benign by Illumina), and Clinvitae (4x), but was not identified in Genesight-COGR, Cosmic, MutDB, Insight Colon Cancer Gene Variant Database, Zhejiang Colon Cancer Database, Mismatch Repair Genes Variant Database, or Insight Hereditary Tumors Database. The variant was identified in control databases in 867 (15 homozygous) of 277080 chromosomes at a frequency of 0.003 increasing the likelihood this could be a low frequency benign variant (Genome Aggregation Database Feb 27, 2017). Breakdown of the observations by population include African in 824 (15 homozygous) of 23990 chromosomes (freq: 0.03), Other in 8 of 6464 chromosomes (freq: 0.001), Latino in 25 of 34418 chromosomes (freq: 0.0007), European Non-Finnish in 10 of 126632 chromosomes (freq: 0.00008), while not observed in the Ashkenazi Jewish, East Asian, European Finnish, and South Asian populations. The p.Tyr519= variant is not expected to have clinical significance because it does not result in a change of amino acid and is not located in a known consensus splice site. In addition, in silico or computational prediction software programs (SpliceSiteFinder, MaxEntScan, NNSPLICE, GeneSplicer, HumanSpliceFinder) do not predict a difference in splicing. In summary, based on the above information this variant meets our laboratory's criteria to be classified as benign.

Joint Genome Diagnostic Labs from Nijmegen and Maastricht, Radboudumc and MUMC+
Classification: Benign. Review status: no assertion criteria provided. Collection method: clinical testing. Allele origin: germline. Affected: yes. Study: VKGL Data-share Consensus. Not counted in ClinVar's aggregate classification.

Laboratory of Diagnostic Genome Analysis, Leiden University Medical Center (LUMC)
Classification: Benign. Review status: no assertion criteria provided. Collection method: clinical testing. Allele origin: germline. Affected: yes. Study: VKGL Data-share Consensus. Not counted in ClinVar's aggregate classification.